The following is an entry in ClinVar:

NM_001369.3(DNAH5):c.9514dup (p.His3172fs)

Gene: DNAH5 (dynein axonemal heavy chain 5; minus strand). Cytogenetic location: 5p15.2.
Variant type: Duplication.
Coding change: c.9514dup on transcript NM_001369.3 (MANE Select); coding-DNA position 9514, one base duplicated (C; older notation c.9514dupC).
Protein change: p.His3172fs; shifts the reading frame from histidine 3172.
Molecular consequence: frameshift variant.
Genome position (GRCh38, 1-based): chr5:13,770,840, G duplicated on the plus strand (C on the coding strand, the reverse complement: DNAH5 is on the minus strand); the first of 3 consecutive G bases (chr5:13,770,840-13,770,842); duplicating any one gives the same sequence. VCF-style (leftmost placement, unchanged base first): chr5-13770839-T-TG. GRCh37 (hg19) VCF-style: chr5-13770948-T-TG.
Other names: c.9514dupC (NM_001369.2); short protein forms H3172fs.
Identifiers: ClinVar variation 835399 (VCV000835399.11), dbSNP rs1561215326, ClinGen allele CA557876482.

ClinVar aggregate classification (germline): Pathogenic/Likely pathogenic. Review status: criteria provided, multiple submitters, no conflicts (2 of 4 stars). 3 submissions from 3 submitters: Pathogenic (2); Likely pathogenic (1). Last evaluated 2025-12-15.

Conditions:
Primary ciliary dyskinesia 3. Identifiers: Orphanet 244, MedGen C1837618, MONDO:0012085, OMIM 608644.
Primary ciliary dyskinesia. Also called: Ciliary dyskinesia. Identifiers: Orphanet 244, MedGen C0008780, MONDO:0016575, HP:0012265.

Submissions (3):

Labcorp Genetics (formerly Invitae), Labcorp
Classification: Pathogenic for Primary ciliary dyskinesia. Last evaluated: 2025-12-15. Review status: criteria provided, single submitter. Criteria: Invitae Variant Classification Sherloc (09022015). Collection method: clinical testing. Allele origin: germline.
Comment: This sequence change creates a premature translational stop signal (p.His3172Profs*15) in the DNAH5 gene. It is expected to result in an absent or disrupted protein product. Loss-of-function variants in DNAH5 are known to be pathogenic (PMID: 11788826, 16627867). This variant is present in population databases (no rsID available, gnomAD 0.003%). This variant has not been reported in the literature in individuals affected with DNAH5-related conditions. ClinVar contains an entry for this variant (Variation ID: 835399). For these reasons, this variant has been classified as Pathogenic.

Natera, Inc.
Classification: Likely pathogenic for Primary ciliary dyskinesia. Last evaluated: 2025-09-09. Review status: criteria provided, single submitter. Criteria: Natera Variant Classification Schema (03/2026). Collection method: clinical testing. Allele origin: germline.
Comment: The c.9514dupC variant in DNAH5 is a frameshift variant predicted to shift the reading frame beginning at codon 3172 and leads to a stop codon 15 codons downstream. This variant is expected to result in nonsense mediated decay, truncation, or a dysfunctional protein product. This variant is rare in the general population with a frequency below the threshold expected for the associated phenotype(s). Given the available evidence, this variant is classified as Likely Pathogenic.

Genomic Medicine Center of Excellence, King Faisal Specialist Hospital and Research Centre
Classification: Pathogenic for Primary ciliary dyskinesia 3. Last evaluated: 2024-03-26. Review status: criteria provided, single submitter. Criteria: ACMG Guidelines, 2015. Collection method: clinical testing. Allele origin: germline.

Literature cited by the submitters: PubMed 11788826 (cited by Labcorp Genetics (formerly Invitae), Labcorp); PubMed 16627867 (cited by Labcorp Genetics (formerly Invitae), Labcorp).